The following is an entry in ClinVar:

ClinVar aggregate classification (germline): Uncertain significance (1 of 4 stars; one submission).

Allele frequency attached by ClinVar (database versions not stated): gnomAD exomes below 0.00001; gnomAD 0.00001; TOPMed 0.00001.
gnomAD v4.1: 2 of 1,610,594 alleles (0.00012%); highest among the groups gnomAD compares: Non-Finnish European, 0.00017%; no homozygotes.

Submission:

Labcorp Genetics (formerly Invitae), Labcorp
Classification: Uncertain significance. Last evaluated: 2024-04-29. Review status: criteria provided, single submitter. Criteria: Invitae Variant Classification Sherloc (09022015). Collection method: clinical testing. Allele origin: germline.
Comment: This sequence change replaces glycine, which is neutral and non-polar, with valine, which is neutral and non-polar, at codon 128 of the HPGD protein (p.Gly128Val). This variant is not present in population databases (gnomAD no frequency). This variant has not been reported in the literature in individuals affected with HPGD-related conditions. ClinVar contains an entry for this variant (Variation ID: 1932699). An algorithm developed to predict the effect of missense changes on protein structure and function (PolyPhen-2) suggests that this variant is likely to be disruptive. In summary, the available evidence is currently insufficient to determine the role of this variant in disease. Therefore, it has been classified as a Variant of Uncertain Significance.

NM_000860.6(HPGD):c.383G>T (p.Gly128Val)

Gene: HPGD (15-hydroxyprostaglandin dehydrogenase; minus strand). Cytogenetic location: 4q34.1.
Variant type: single nucleotide variant.
Coding change: c.383G>T on transcript NM_000860.6 (MANE Select); coding-DNA position 383, G replaced by T.
Protein change: p.Gly128Val; replaces glycine 128 with valine.
Molecular consequence: missense variant. On other transcripts: intron variant (1).
Genome position (GRCh38, 1-based): chr4:174,508,734, C>A on the plus strand (G>T on the coding strand, the complement: HPGD is on the minus strand). VCF-style: chr4-174508734-C-A. GRCh37 (hg19) VCF-style: chr4-175429885-C-A.
Other names: c.383G>T, p.Gly128Val (NM_001145816.3, NM_001256305.2, NM_001363574.2); c.20G>T, p.Gly7Val (NM_001256301.1, NM_001256307.2); c.218-13110G>T (NM_001256306.2); short protein forms G128V, G7V.
Identifiers: ClinVar variation 1932699 (VCV001932699.5), dbSNP rs1459363943, ClinGen allele CA358812772.